The following is an entry in ClinVar:

ClinVar aggregate classification (germline): Pathogenic (1 of 4 stars; one submission).

Conditions:
Osteogenesis imperfecta type I (OI1). Also called: Lobstein's Disease; Lobstein disease; OI, TYPE I; OSTEOGENESIS IMPERFECTA TARDA; OSTEOGENESIS IMPERFECTA WITH BLUE SCLERAE; Osteogenesis imperfecta type 1. Identifiers: Orphanet 216796, Orphanet 666, MedGen C0023931, MONDO:0008146, OMIM 166200. Disease mechanism: loss of function.

Submission:

Labcorp Genetics (formerly Invitae), Labcorp
Classification: Pathogenic for Osteogenesis imperfecta type I. Last evaluated: 2024-07-30. Review status: criteria provided, single submitter. Criteria: Invitae Variant Classification Sherloc (09022015). Collection method: clinical testing. Allele origin: germline.
Comment: This sequence change creates a premature translational stop signal (p.Glu591*) in the COL1A1 gene. It is expected to result in an absent or disrupted protein product. Loss-of-function variants in COL1A1 are known to be pathogenic (PMID: 7942841, 9295084, 9443882). This variant is not present in population databases (gnomAD no frequency). This premature translational stop signal has been observed in individual(s) with osteogenesis imperfecta (PMID: 30715774). For these reasons, this variant has been classified as Pathogenic.

Literature cited by the submitters: PubMed 7942841; PubMed 9295084; PubMed 9443882; PubMed 30715774.

NM_000088.4(COL1A1):c.1771G>T (p.Glu591Ter)

Gene: COL1A1 (collagen type I alpha 1 chain; minus strand). Cytogenetic location: 17q21.33.
Variant type: single nucleotide variant.
Coding change: c.1771G>T on transcript NM_000088.4 (MANE Select); coding-DNA position 1771, G replaced by T.
Protein change: p.Glu591Ter; replaces glutamic acid 591 with a stop codon.
Molecular consequence: nonsense.
Genome position (GRCh38, 1-based): chr17:50,193,044, C>A on the plus strand (G>T on the coding strand, the complement: COL1A1 is on the minus strand). VCF-style: chr17-50193044-C-A. GRCh37 (hg19) VCF-style: chr17-48270405-C-A.
Other names: short protein forms E591*.
Identifiers: ClinVar variation 3709123 (VCV003709123.2).